The following is an entry in ClinVar:

NM_003036.4(SKI):c.757A>C (p.Met253Leu)

Gene: SKI (SKI proto-oncogene; plus strand). Cytogenetic location: 1p36.33.
Variant type: single nucleotide variant.
Coding change: c.757A>C on transcript NM_003036.4 (MANE Select); coding-DNA position 757, A replaced by C.
Protein change: p.Met253Leu; replaces methionine 253 with leucine.
Molecular consequence: missense variant.
Genome position (GRCh38, 1-based): chr1:2,229,523, A>C. VCF-style: chr1-2229523-A-C. GRCh37 (hg19) VCF-style: chr1-2160962-A-C.
Other names: short protein forms M253L.
Identifiers: ClinVar variation 2534570 (VCV002534570.3), dbSNP rs767352419, ClinGen allele CA536452.
Genomic context (GRCh38, chr1:2,229,523, plus strand): 5'-GTGCCCGAGCTCTACAGCAGCCCGAGCGCCGCCTGCATCCAGTGCCTGGACTGCCGCCTC[A>C]TGTACCCGCCGCACAAGTTCGTGGTGCACTCGCACAAGGCCCTGGAGAACCGGACCTGCC-3'
Protein context (NP_003027.1, residues 243-263): ACIQCLDCRL[Met253Leu]YPPHKFVVHS

ClinVar aggregate classification (germline): Uncertain significance (1 of 4 stars; one submission).

Conditions:
Familial thoracic aortic aneurysm and aortic dissection (TAAD). Also called: Thoracic aortic aneurysms and dissections. Identifiers: Orphanet 91387, MedGen C4707243, MONDO:0019625.

Allele frequency attached by ClinVar (database versions not stated): TOPMed 0.00001.
gnomAD v4.1: 5 of 1,611,088 alleles (0.00031%); highest among the groups gnomAD compares: African/African-American, 0.0027%; no homozygotes.

Submission:

Ambry Genetics
Classification: Uncertain significance for Familial thoracic aortic aneurysm and aortic dissection. Last evaluated: 2024-12-28. Review status: criteria provided, single submitter. Criteria: Ambry Variant Classification Scheme 2023. Collection method: clinical testing. Allele origin: germline.
Comment: The p.M253L variant (also known as c.757A>C), located in coding exon 1 of the SKI gene, results from an A to C substitution at nucleotide position 757. The methionine at codon 253 is replaced by leucine, an amino acid with highly similar properties. This amino acid position is conserved. In addition, this alteration is predicted to be deleterious by in silico analysis. Based on the available evidence, the clinical significance of this variant remains unclear.